The following is an entry in ClinVar:

NM_031935.3(HMCN1):c.3020A>T (p.Asn1007Ile)

Gene: HMCN1 (hemicentin 1; plus strand). Cytogenetic location: 1q31.1.
Variant type: single nucleotide variant.
Coding change: c.3020A>T on transcript NM_031935.3 (MANE Select); coding-DNA position 3020, A replaced by T.
Protein change: p.Asn1007Ile; replaces asparagine 1007 with isoleucine.
Molecular consequence: missense variant.
Genome position (GRCh38, 1-based): chr1:185,987,516, A>T. VCF-style: chr1-185987516-A-T. GRCh37 (hg19) VCF-style: chr1-185956648-A-T.
Other names: short protein forms N1007I.
Identifiers: ClinVar variation 294126 (VCV000294126.16), dbSNP rs34460141, ClinGen allele CA1291588.

ClinVar aggregate classification (germline): Benign. Review status: criteria provided, multiple submitters, no conflicts (2 of 4 stars). 4 submissions from 4 submitters: Benign (4). Last evaluated 2026-02-02.

Conditions:
Age related macular degeneration 1 (ARMD1). Also called: MACULOPATHY, AGE-RELATED, 1. Identifiers: MedGen C1864205, MONDO:0011285, OMIM 603075.

Allele frequency attached by ClinVar (database versions not stated): gnomAD exomes 0.00282 and 0.00750; ExAC 0.00918; gnomAD 0.02934 and 0.03127; ESP Exome Variant Server 0.02991; TOPMed 0.03251; 1000 Genomes Project 0.03474; 1000 Genomes Project 30x 0.03607.
gnomAD v4.1: 8,771 of 1,612,682 alleles (0.54%); highest among the groups gnomAD compares: African/African-American, 9.9%; 375 homozygotes.

Submissions (4):

Labcorp Genetics (formerly Invitae), Labcorp
Classification: Benign. Last evaluated: 2026-02-02. Review status: criteria provided, single submitter. Criteria: Invitae Variant Classification Sherloc (09022015). Collection method: clinical testing. Allele origin: germline.

Genome-Nilou Lab
Classification: Benign for Age related macular degeneration 1. Last evaluated: 2023-04-11. Review status: criteria provided, single submitter. Criteria: ACMG Guidelines, 2015. Collection method: clinical testing. Allele origin: germline. Affected: no.

Illumina Laboratory Services, Illumina
Classification: Benign for Age related macular degeneration 1. Last evaluated: 2018-01-12. Review status: criteria provided, single submitter. Criteria: ICSL Variant Classification Criteria 13 December 2019. Collection method: clinical testing. Allele origin: germline.
Comment: This variant was observed in the ICSL laboratory as part of a predisposition screen in an ostensibly healthy population. It had not been previously curated by ICSL or reported in the Human Gene Mutation Database (HGMD: prior to June 1st, 2018), and was therefore a candidate for classification through an automated scoring system. Utilizing variant allele frequency, disease prevalence and penetrance estimates, and inheritance mode, an automated score was calculated to assess if this variant is too frequent to cause the disease. Based on the score and internal cut-off values, a variant classified as benign is not then subjected to further curation. The score for this variant resulted in a classification of benign for this disease.

Breakthrough Genomics
Classification: Benign. Review status: criteria provided, single submitter. Criteria: ACMG Guidelines, 2015. Collection method: not provided. Allele origin: germline. Inheritance: Autosomal dominant inheritance. Affected: yes.